The following is an entry in ClinVar:

NM_015072.5(TTLL5):c.2334_2342del (p.Glu778_Glu780del)

Gene: TTLL5 (tubulin tyrosine ligase like 5; plus strand). Cytogenetic location: 14q24.3.
Variant type: Deletion.
Coding change: c.2334_2342del on transcript NM_015072.5 (MANE Select); coding-DNA positions 2334 to 2342, 9 bases deleted (AGAGGAAGA; older notation c.2334_2342delAGAGGAAGA).
Protein change: p.Glu778_Glu780del.
Molecular consequence: inframe deletion.
Genome position (GRCh38, 1-based): chr14:75,776,797-75,776,805, AGAGGAAGA deleted; deleting any 9 consecutive bases within chr14:75,776,789-75,776,805 gives the same sequence; the c. name uses the placement nearest the transcript's 3' end. VCF-style (leftmost placement, unchanged base first): chr14-75776788-TGAGGAAGAA-T. GRCh37 (hg19) VCF-style: chr14-76243131-TGAGGAAGAA-T.
Identifiers: ClinVar variation 1472187 (VCV001472187.4), dbSNP rs1251545673, ClinGen allele CA708610290.

ClinVar aggregate classification (germline): Uncertain significance. Review status: criteria provided, multiple submitters, no conflicts (2 of 4 stars). 2 submissions from 2 submitters: Uncertain significance (2). Last evaluated 2022-10-24.

Submissions (2):

Labcorp Genetics (formerly Invitae), Labcorp
Classification: Uncertain significance. Last evaluated: 2022-10-24. Review status: criteria provided, single submitter. Criteria: Invitae Variant Classification Sherloc (09022015). Collection method: clinical testing. Allele origin: germline.
Comment: This variant, c.2334_2342del, results in the deletion of 3 amino acid(s) of the TTLL5 protein (p.Glu778_Glu780del), but otherwise preserves the integrity of the reading frame. This variant is not present in population databases (gnomAD no frequency). This variant has not been reported in the literature in individuals affected with TTLL5-related conditions. Experimental studies and prediction algorithms are not available or were not evaluated, and the functional significance of this variant is currently unknown. Algorithms developed to predict the effect of sequence changes on RNA splicing suggest that this variant may disrupt the consensus splice site. In summary, the available evidence is currently insufficient to determine the role of this variant in disease. Therefore, it has been classified as a Variant of Uncertain Significance.

Blueprint Genetics
Classification: Uncertain significance. Last evaluated: 2020-10-06. Review status: criteria provided, single submitter. Criteria: ACMG Guidelines, 2015. Collection method: clinical testing. Allele origin: germline.